The following is an entry in ClinVar:

ClinVar aggregate classification (germline): Uncertain significance (1 of 4 stars; one submission).

Conditions:
Hypertrophic cardiomyopathy 10. Also called: MYL2-Related Familial Hypertrophic Cardiomyopathy; CARDIOMYOPATHY, HYPERTROPHIC, MID-LEFT VENTRICULAR CHAMBER TYPE, 2. Identifiers: MedGen C1834460, MONDO:0012112, OMIM 608758.

gnomAD v4.1: 2 of 1,608,914 alleles (0.00012%); highest among the groups gnomAD compares: Non-Finnish European, 0.000085%; no homozygotes.

Submission:

Labcorp Genetics (formerly Invitae), Labcorp
Classification: Uncertain significance for Hypertrophic cardiomyopathy 10. Last evaluated: 2023-12-09. Review status: criteria provided, single submitter. Criteria: Invitae Variant Classification Sherloc (09022015). Collection method: clinical testing. Allele origin: germline.
Comment: This sequence change replaces alanine, which is neutral and non-polar, with valine, which is neutral and non-polar, at codon 140 of the MYL2 protein (p.Ala140Val). This variant is not present in population databases (gnomAD no frequency). This variant has not been reported in the literature in individuals affected with MYL2-related conditions. ClinVar contains an entry for this variant (Variation ID: 1917754). An algorithm developed to predict the effect of missense changes on protein structure and function (PolyPhen-2) suggests that this variant¬†is likely to be tolerated. In summary, the available evidence is currently insufficient to determine the role of this variant in disease. Therefore, it has been classified as a Variant of Uncertain Significance.

NM_000432.4(MYL2):c.419C>T (p.Ala140Val)

Gene: MYL2 (myosin light chain 2; minus strand). Cytogenetic location: 12q24.11.
Variant type: single nucleotide variant.
Coding change: c.419C>T on transcript NM_000432.4 (MANE Select); coding-DNA position 419, C replaced by T.
Protein change: p.Ala140Val; replaces alanine 140 with valine.
Molecular consequence: missense variant.
Genome position (GRCh38, 1-based): chr12:110,911,159, G>A on the plus strand (C>T on the coding strand, the complement: MYL2 is on the minus strand). VCF-style: chr12-110911159-G-A. GRCh37 (hg19) VCF-style: chr12-111348963-G-A.
Other names: c.377C>T, p.Ala126Val (NM_001406745.1, NM_001406746.1); c.362C>T, p.Ala121Val (NM_001406916.1); short protein forms A140V, A121V, A126V.
Identifiers: ClinVar variation 1917754 (VCV001917754.4), dbSNP rs1421677669, ClinGen allele CA386696987.